The following is an entry in ClinVar:

ClinVar aggregate classification (germline): Uncertain significance (1 of 4 stars; one submission).

Conditions:
Fanconi anemia (FA). Also called: Fanconi's anemia. Identifiers: Orphanet 84, MedGen C0015625, MeSH D005199, MONDO:0019391.

Allele frequency attached by ClinVar (database versions not stated): gnomAD exomes 0.00001; ExAC 0.00004; TOPMed 0.00001.
gnomAD v4.1: 17 of 1,614,102 alleles (0.0011%); highest among the groups gnomAD compares: Admixed American, 0.01%; no homozygotes.

Submission:

Labcorp Genetics (formerly Invitae), Labcorp
Classification: Uncertain significance for Fanconi anemia. Last evaluated: 2025-11-13. Review status: criteria provided, single submitter. Criteria: Invitae Variant Classification Sherloc (09022015). Collection method: clinical testing. Allele origin: germline.
Comment: This sequence change replaces phenylalanine, which is neutral and non-polar, with leucine, which is neutral and non-polar, at codon 211 of the FANCG protein (p.Phe211Leu). This variant is present in population databases (rs760459034, gnomAD 0.02%). This variant has not been reported in the literature in individuals affected with FANCG-related conditions. ClinVar contains an entry for this variant (Variation ID: 2031354). Invitae Evidence Modeling of protein sequence and biophysical properties (such as structural, functional, and spatial information, amino acid conservation, physicochemical variation, residue mobility, and thermodynamic stability) indicates that this missense variant is not expected to disrupt FANCG protein function with a negative predictive value of 80%. In summary, the available evidence is currently insufficient to determine the role of this variant in disease. Therefore, it has been classified as a Variant of Uncertain Significance.

NM_004629.2(FANCG):c.633T>A (p.Phe211Leu)

Gene: FANCG (FA complementation group G; minus strand). Cytogenetic location: 9p13.3.
Variant type: single nucleotide variant.
Coding change: c.633T>A on transcript NM_004629.2 (MANE Select); coding-DNA position 633, T replaced by A.
Protein change: p.Phe211Leu; replaces phenylalanine 211 with leucine.
Molecular consequence: missense variant.
Genome position (GRCh38, 1-based): chr9:35,077,277, A>T on the plus strand (T>A on the coding strand, the complement: FANCG is on the minus strand). VCF-style: chr9-35077277-A-T. GRCh37 (hg19) VCF-style: chr9-35077274-A-T.
Other names: short protein forms F211L.
Identifiers: ClinVar variation 2031354 (VCV002031354.2), dbSNP rs760459034, ClinGen allele CA5039997.